The following is an entry in ClinVar:

NM_199355.4(ADAMTS18):c.3092G>A (p.Cys1031Tyr)

Gene: ADAMTS18 (ADAM metallopeptidase with thrombospondin type 1 motif 18; minus strand). Cytogenetic location: 16q23.1.
Variant type: single nucleotide variant.
Coding change: c.3092G>A on transcript NM_199355.4 (MANE Select); coding-DNA position 3092, G replaced by A.
Protein change: p.Cys1031Tyr; replaces cysteine 1031 with tyrosine.
Molecular consequence: missense variant.
Genome position (GRCh38, 1-based): chr16:77,293,173, C>T on the plus strand (G>A on the coding strand, the complement: ADAMTS18 is on the minus strand). VCF-style: chr16-77293173-C-T. GRCh37 (hg19) VCF-style: chr16-77327070-C-T.
Other names: c.2576G>A, p.Cys859Tyr (NM_001326358.2); short protein forms C1031Y, C859Y.
Identifiers: ClinVar variation 1010678 (VCV001010678.7), dbSNP rs757730361, ClinGen allele CA8180616.

ClinVar aggregate classification (germline): Uncertain significance (1 of 4 stars; one submission).

Allele frequency attached by ClinVar (database versions not stated): gnomAD exomes below 0.00001; ExAC 0.00001; gnomAD 0.00001 and 0.00002; TOPMed 0.00001.
gnomAD v4.1: 7 of 1,613,952 alleles (0.00043%); highest among the groups gnomAD compares: African/African-American, 0.0093%; no homozygotes.

Submission:

Labcorp Genetics (formerly Invitae), Labcorp
Classification: Uncertain significance. Last evaluated: 2022-11-15. Review status: criteria provided, single submitter. Criteria: Invitae Variant Classification Sherloc (09022015). Collection method: clinical testing. Allele origin: germline.
Comment: In summary, the available evidence is currently insufficient to determine the role of this variant in disease. Therefore, it has been classified as a Variant of Uncertain Significance. Algorithms developed to predict the effect of missense changes on protein structure and function are either unavailable or do not agree on the potential impact of this missense change (SIFT: "Not Available"; PolyPhen-2: "Probably Damaging"; Align-GVGD: "Not Available"). ClinVar contains an entry for this variant (Variation ID: 1010678). This variant has not been reported in the literature in individuals affected with ADAMTS18-related conditions. The frequency data for this variant in the population databases is considered unreliable, as metrics indicate poor data quality at this position in the gnomAD database. This sequence change replaces cysteine, which is neutral and slightly polar, with tyrosine, which is neutral and polar, at codon 1031 of the ADAMTS18 protein (p.Cys1031Tyr).